The following is an entry in ClinVar:

ClinVar aggregate classification (germline): Uncertain significance (1 of 4 stars; one submission).

Conditions:
Progressive sclerosing poliodystrophy (MTDPS4A). Also called: Alpers-Huttenlocher Syndrome; Mitochondrial DNA Depletion Syndrome 4A; ALPERS PROGRESSIVE INFANTILE POLIODYSTROPHY; NEURONAL DEGENERATION OF CHILDHOOD WITH LIVER DISEASE, PROGRESSIVE; Alpers-Huttenlocher Syndrome (AHS); Alpers Syndrome. Identifiers: Orphanet 726, MedGen C0205710, MONDO:0008758, OMIM 203700.

Allele frequency attached by ClinVar (database versions not stated): TOPMed below 0.00001.

Submission:

Labcorp Genetics (formerly Invitae), Labcorp
Classification: Uncertain significance for Progressive sclerosing poliodystrophy. Last evaluated: 2024-08-15. Review status: criteria provided, single submitter. Criteria: Invitae Variant Classification Sherloc (09022015). Collection method: clinical testing. Allele origin: germline.
Comment: This sequence change replaces methionine, which is neutral and non-polar, with valine, which is neutral and non-polar, at codon 382 of the POLG protein (p.Met382Val). This variant is present in population databases (no rsID available, gnomAD 0.003%). This variant has not been reported in the literature in individuals affected with POLG-related conditions. ClinVar contains an entry for this variant (Variation ID: 1902682). Invitae Evidence Modeling of protein sequence and biophysical properties (such as structural, functional, and spatial information, amino acid conservation, physicochemical variation, residue mobility, and thermodynamic stability) has been performed for this missense variant. However, the output from this modeling did not meet the statistical confidence thresholds required to predict the impact of this variant on POLG protein function. In summary, the available evidence is currently insufficient to determine the role of this variant in disease. Therefore, it has been classified as a Variant of Uncertain Significance.

NM_002693.3(POLG):c.1144A>G (p.Met382Val)

Gene: POLG (DNA polymerase gamma, catalytic subunit; minus strand). Cytogenetic location: 15q26.1.
Variant type: single nucleotide variant.
Coding change: c.1144A>G on transcript NM_002693.3 (MANE Select); coding-DNA position 1144, A replaced by G.
Protein change: p.Met382Val; replaces methionine 382 with valine.
Molecular consequence: missense variant.
Genome position (GRCh38, 1-based): chr15:89,328,711, T>C on the plus strand (A>G on the coding strand, the complement: POLG is on the minus strand). VCF-style: chr15-89328711-T-C. GRCh37 (hg19) VCF-style: chr15-89871942-T-C.
Other names: c.1144A>G, p.Met382Val (NM_001126131.2); short protein forms M382V.
Identifiers: ClinVar variation 1902682 (VCV001902682.4), dbSNP rs868098370, ClinGen allele CA274558398.